The following is an entry in ClinVar:

ClinVar aggregate classification (germline): Conflicting classifications of pathogenicity. Review status: criteria provided, conflicting classifications (1 of 4 stars). 3 submissions from 3 submitters: Likely pathogenic (1); Uncertain significance (2). Last evaluated 2026-01-07.

Conditions:
Type 2 diabetes mellitus. Also called: Type II diabetes mellitus. Identifiers: MedGen C0011860, MeSH D003924, MONDO:0005148, OMIM 125853, HP:0005978.
Autosomal dominant nonsyndromic hearing loss 6 (LFSNHL). Also called: DEAFNESS, AUTOSOMAL DOMINANT 6; DEAFNESS, AUTOSOMAL DOMINANT 14; DEAFNESS, AUTOSOMAL DOMINANT 38; Autosomal dominant nonsyndromic deafness 6. Identifiers: Orphanet 90635, MedGen C1833021, MONDO:0010963, OMIM 600965.
Wolfram syndrome 1 (WFS1). Identifiers: Orphanet 3463, MedGen C4551693, MONDO:0009101, OMIM 222300.
Wolfram-like syndrome. Also called: HEARING LOSS, PROGRESSIVE, WITH OPTIC ATROPHY AND/OR IMPAIRED GLUCOSE REGULATION. Identifiers: Orphanet 411590, MedGen C3280358, MONDO:0013673, OMIM 614296.
Cataract 41 (CTRCT41). Also called: CATARACT 41, CONGENITAL NUCLEAR TYPE. Identifiers: Orphanet 91492, Orphanet 98991, Orphanet 98992, Orphanet 98995, MedGen C3805412, MONDO:0007287, OMIM 116400.
Auditory neuropathy. Identifiers: MedGen C1852271, MONDO:0021944.

Allele frequency attached by ClinVar (database versions not stated): TOPMed 0.00001; ExAC 0.00003.
gnomAD v4.1: 20 of 1,611,362 alleles (0.0012%); highest among the groups gnomAD compares: East Asian, 0.042%; no homozygotes.

Submissions (3):

GeneDx
Classification: Uncertain significance. Last evaluated: 2026-01-07. Review status: criteria provided, single submitter. Criteria: GeneDx Variant Classification Process June 2021. Collection method: clinical testing. Allele origin: germline. Affected: yes.
Comment: Reported in the heterozygous state in patients with diabetes mellitus or auditory neuropathy in published literature (PMID: 37277527, 15234338, 38456936); In silico analysis supports that this missense variant has a deleterious effect on protein structure/function; This variant is associated with the following publications: (PMID: 37277527, 15234338, 38456936)

Fulgent Genetics
Classification: Uncertain significance for Cataract 41; Type 2 diabetes mellitus; Wolfram syndrome 1; Autosomal dominant nonsyndromic hearing loss 6; Wolfram-like syndrome. Last evaluated: 2024-04-02. Review status: criteria provided, single submitter. Criteria: ACMG Guidelines, 2015. Collection method: clinical testing. Allele origin: germline.

WangQJ Lab, Chinese People's Liberation Army General Hospital
Classification: Likely pathogenic for Auditory neuropathy. Last evaluated: 2023-12-22. Review status: criteria provided, single submitter. Criteria: Submitter's publication. Collection method: research. Allele origin: germline. Affected: yes. Observed: 1 variant allele.

NM_006005.3(WFS1):c.1508T>G (p.Val503Gly)

Gene: WFS1 (wolframin ER transmembrane glycoprotein; plus strand). Cytogenetic location: 4p16.1.
Variant type: single nucleotide variant.
Coding change: c.1508T>G on transcript NM_006005.3 (MANE Select); coding-DNA position 1508, T replaced by G.
Protein change: p.Val503Gly; replaces valine 503 with glycine.
Molecular consequence: missense variant.
Genome position (GRCh38, 1-based): chr4:6,301,303, T>G. VCF-style: chr4-6301303-T-G. GRCh37 (hg19) VCF-style: chr4-6303030-T-G.
Other names: c.1508T>G, p.Val503Gly (NM_001145853.1); short protein forms V503G.
Identifiers: ClinVar variation 2501448 (VCV002501448.4), dbSNP rs772993007, ClinGen allele CA2839384.